The following is an entry in ClinVar:

ClinVar aggregate classification (germline): Uncertain significance (1 of 4 stars; one submission).

Submission:

Labcorp Genetics (formerly Invitae), Labcorp
Classification: Uncertain significance. Last evaluated: 2024-07-24. Review status: criteria provided, single submitter. Criteria: Invitae Variant Classification Sherloc (09022015). Collection method: clinical testing. Allele origin: germline.
Comment: This sequence change falls in intron 4 of the GPR161 gene. It does not directly change the encoded amino acid sequence of the GPR161 protein. It affects a nucleotide within the consensus splice site. This variant is not present in population databases (gnomAD no frequency). This variant has not been reported in the literature in individuals affected with GPR161-related conditions. Variants that disrupt the consensus splice site are a relatively common cause of aberrant splicing (PMID: 17576681, 9536098). Algorithms developed to predict the effect of sequence changes on RNA splicing suggest that this variant is not likely to affect RNA splicing. In summary, the available evidence is currently insufficient to determine the role of this variant in disease. Therefore, it has been classified as a Variant of Uncertain Significance.

Literature cited by the submitters: PubMed 17576681; PubMed 9536098.

NM_001375883.1(GPR161):c.1099+6_1099+7del

Gene: GPR161 (G protein-coupled receptor 161; minus strand). Cytogenetic location: 1q24.2.
Variant type: Deletion.
Coding change: c.1099+6_1099+7del on transcript NM_001375883.1 (MANE Select); bases 6 to 7 of the intron after coding-DNA position 1099, 2 bases deleted (TT; older notation c.1099+6_1099+7delTT).
Molecular consequence: intron variant.
Genome position (GRCh38, 1-based): chr1:168,096,501-168,096,502, AA deleted on the plus strand (TT on the coding strand, the reverse complement: GPR161 is on the minus strand). VCF-style (leftmost placement, unchanged base first): chr1-168096500-CAA-C. GRCh37 (hg19) VCF-style: chr1-168065738-CAA-C.
Other names: c.703+6_703+7del (NM_001349635.1, NM_001267612.2); c.1099+6_1099+7del (NM_001349633.1, NM_001349632.1, NM_001349634.1 and 5 more transcripts); c.1159+6_1159+7del (NM_001267609.1); c.757+6_757+7del (NM_001267614.1); c.1150+6_1150+7del (NM_001267611.1); c.865+6_865+7del (NM_001267613.1).
Identifiers: ClinVar variation 3651623 (VCV003651623.2).